The following is an entry in ClinVar:

NM_007194.4(CHEK2):c.1528C>T (p.Gln510Ter)

Gene: CHEK2 (checkpoint kinase 2; minus strand). Cytogenetic location: 22q12.1.
Variant type: single nucleotide variant.
Coding change: c.1528C>T on transcript NM_007194.4 (MANE Select); coding-DNA position 1528, C replaced by T.
Protein change: p.Gln510Ter; replaces glutamine 510 with a stop codon.
Molecular consequence: nonsense.
Genome position (GRCh38, 1-based): chr22:28,689,149, G>A on the plus strand (C>T on the coding strand, the complement: CHEK2 is on the minus strand). VCF-style: chr22-28689149-G-A. GRCh37 (hg19) VCF-style: chr22-29085137-G-A.
Other names: c.1657C>T, p.Gln553Ter (NM_001005735.3); c.865C>T, p.Gln289Ter (NM_001257387.3); c.1327C>T, p.Gln443Ter (NM_001349956.3); c.1441C>T, p.Gln481Ter (NM_145862.3); short protein forms Q510*, Q289*, Q481*, Q553*, Q443*.
Identifiers: ClinVar variation 265377 (VCV000265377.20), dbSNP rs886039512, ClinGen allele CA10588716.

ClinVar aggregate classification (germline): Conflicting classifications of pathogenicity. Review status: criteria provided, conflicting classifications (1 of 4 stars). 5 submissions from 5 submitters: Pathogenic (2); Likely pathogenic (2); Uncertain significance (1). Last evaluated 2025-08-27.

Conditions:
Hereditary cancer-predisposing syndrome. Also called: Neoplastic Syndromes, Hereditary; Hereditary neoplastic syndrome; Hereditary Cancer Syndrome; Tumor predisposition. Identifiers: Orphanet 140162, MedGen C0027672, MeSH D009386, MONDO:0015356.
Familial cancer of breast. Also called: hereditary breast carcinoma; BREAST CANCER, FAMILIAL; Hereditary breast cancer. Identifiers: Orphanet 227535, MedGen C0346153, MONDO:0016419, OMIM 114480. Disease mechanism: loss of function.

Allele frequency attached by ClinVar (database versions not stated): gnomAD exomes below 0.00001; TOPMed below 0.00001.
gnomAD v4.1: 1 of 1,594,678 alleles (0.000063%); highest among the groups gnomAD compares: Non-Finnish European, 0.000085%; no homozygotes.

Submissions (5):

Molecular Diagnostics Laboratory, Catalan Institute of Oncology
Classification: Uncertain significance for Hereditary cancer-predisposing syndrome. Last evaluated: 2025-08-27. Review status: criteria provided, single submitter. Criteria: ACMG Guidelines, 2015. Collection method: clinical testing. Allele origin: germline.
Comment: PVS1_Moderate, PM2_Supporting c.1528C>T, located in exon 14 of the CHEK2 gene, is a nonsense variant predicted to remove the last 34 amino acids involving the nuclear localization signal domain, essential for function (PVS1_Moderate). It is not present in the population database gnomAD v2.1.1, non-cancer dataset (PM2_Supporting). The SpliceAI algorithm predicts no significant impact on splicing. This variant has been reported in multiple breast and prostate cancer-affected individuals (PMID: 38575974, 33803639, 36922933, 21244692). It was reported in case-control studies in 2 out of 61779 breast cancer cases and none of the 54583 healthy controls (PMID:�21244692, 33471991). This variant has been reported in the ClinVar database (2x pathogenic, 2x likely pathogenic), and in the LOVD database (1x unclassified). Based on the currently available evidence, c.1528C>T is classified as an uncertain significance variant according to ACMG/AMP classification guidelines.

Myriad Genetics, Inc.
Classification: Pathogenic for Familial cancer of breast. Last evaluated: 2023-06-29. Review status: criteria provided, single submitter. Criteria: Myriad Autosomal Dominant, Autosomal Recessive and X-Linked Classification Criteria (2023). Collection method: clinical testing. Allele origin: unknown.
Comment: This variant is considered pathogenic. This variant creates a termination codon and is predicted to result in premature protein truncation.

Ambry Genetics
Classification: Pathogenic for Hereditary cancer-predisposing syndrome. Last evaluated: 2023-01-13. Review status: criteria provided, single submitter. Criteria: Ambry Variant Classification Scheme 2023. Collection method: clinical testing. Allele origin: germline.
Comment: The p.Q510* pathogenic mutation (also known as c.1528C>T), located in coding exon 13 of the CHEK2 gene, results from a C to T substitution at nucleotide position 1528. This changes the amino acid from a glutamine to a stop codon within coding exon 13. This alteration occurs at the 3' terminus of CHEK2, is not expected to trigger nonsense-mediated mRNA decay, and only impacts the last 34 amino acids of the protein. However, premature stop codons are typically deleterious in nature and this mutation results in the truncation of the critical NLS-3 (nuclear localization signal-3) domain of the CHEK2 gene, which mediates proper localization of the protein (Zannini L et al. J. Biol. Chem. 2003 Oct; 278(43):42346-51). This mutation has been reported in 1/1313 early onset (less than 45 years) breast cancer cases and 0/1123 controls (Le Calvez-Kelm F et al. Breast Cancer Res., 2011 Jan;13:R6) and also in a cohort of BRCA1/2-negative familial breast cancer cases (Li J et al. J. Med. Genet. 2016 Jan;53(1):34-42). This variant is considered to be rare based on population cohorts in the Genome Aggregation Database (gnomAD). As such, this alteration is interpreted as a disease-causing mutation.

Labcorp Genetics (formerly Invitae), Labcorp
Classification: Likely pathogenic for Familial cancer of breast. Last evaluated: 2022-08-28. Review status: criteria provided, single submitter. Criteria: Invitae Variant Classification Sherloc (09022015). Collection method: clinical testing. Allele origin: germline.
Comment: In summary, the currently available evidence indicates that the variant is pathogenic, but additional data are needed to prove that conclusively. Therefore, this variant has been classified as Likely Pathogenic. This variant disrupts the nuclear localization signal (NLS) of the CHEK2 protein, which is critical for proper nuclear localization (PMID: 18004398, 12909615). While functional studies have not been performed to directly test the effect of this variant on CHEK2 protein function, this suggests that disruption of this region of the protein is causative of disease. Algorithms developed to predict the effect of sequence changes on RNA splicing suggest that this variant may disrupt the consensus splice site. ClinVar contains an entry for this variant (Variation ID: 265377). This premature translational stop signal has been observed in individual(s) with breast cancer (PMID: 21244692, 26534844). This variant is not present in population databases (gnomAD no frequency). This sequence change creates a premature translational stop signal (p.Gln510*) in the CHEK2 gene. While this is not anticipated to result in nonsense mediated decay, it is expected to disrupt the last 34 amino acid(s) of the CHEK2 protein.

GeneDx
Classification: Likely pathogenic. Last evaluated: 2016-07-27. Review status: criteria provided, single submitter. Criteria: GeneDx Variant Classification (06012015). Collection method: clinical testing. Allele origin: germline. Affected: yes.
Comment: This variant is denoted CHEK2 c.1528C>T at the cDNA level and p.Gln510Ter (Q510X) at the protein level. The substitution creates a nonsense variant, which changes a Glutamine to a premature stop codon (CAG>TAG). Even though nonsense-mediated decay is not expected to occur due to the position of the variant, it is significant since the last 34 amino acids are no longer translated correctly and is predicted to cause loss of normal protein function through protein truncation. Furthermore, this variant disrupts the nuclear localization signal (Roeb 2012). This variant has been reported in at least one individual diagnosed with breast cancer under the age of 45 (Le Calvez-Kelm 2011), and is considered likely pathogenic.

Literature cited by the submitters: PubMed 21244692 (cited by Ambry Genetics and Labcorp Genetics (formerly Invitae), Labcorp); PubMed 18004398 (cited by Labcorp Genetics (formerly Invitae), Labcorp); PubMed 12909615 (cited by Labcorp Genetics (formerly Invitae), Labcorp); PubMed 26534844 (cited by Labcorp Genetics (formerly Invitae), Labcorp).